The following is an entry in ClinVar:

NM_000574.5(CD55):c.874G>T (p.Val292Phe)

Gene: CD55 (CD55 molecule (Cromer blood group); plus strand). Cytogenetic location: 1q32.2.
Variant type: single nucleotide variant.
Coding change: c.874G>T on transcript NM_000574.5 (MANE Select); coding-DNA position 874, G replaced by T.
Protein change: p.Val292Phe; replaces valine 292 with phenylalanine.
Molecular consequence: missense variant. On other transcripts: non-coding transcript variant (1).
Genome position (GRCh38, 1-based): chr1:207,336,713, G>T. VCF-style: chr1-207336713-G-T. GRCh37 (hg19) VCF-style: chr1-207510058-G-T.
Other names: c.874G>T, p.Val292Phe (NM_001114752.3, NM_001300902.2, NM_001300903.2 and 1 more transcripts); short protein forms V292F.
Identifiers: ClinVar variation 2179352 (VCV002179352.1), dbSNP rs750769577, ClinGen allele CA1368123.

ClinVar aggregate classification (germline): Uncertain significance (1 of 4 stars; one submission).

Allele frequency attached by ClinVar (database versions not stated): gnomAD exomes below 0.00001; ExAC 0.00001; gnomAD 0.00001; TOPMed 0.00001.
gnomAD v4.1: 11 of 1,613,392 alleles (0.00068%); highest among the groups gnomAD compares: Admixed American, 0.005%; no homozygotes.

Submission:

Labcorp Genetics (formerly Invitae), Labcorp
Classification: Uncertain significance. Last evaluated: 2022-02-03. Review status: criteria provided, single submitter. Criteria: Invitae Variant Classification Sherloc (09022015). Collection method: clinical testing. Allele origin: germline.
Comment: This sequence change replaces valine, which is neutral and non-polar, with phenylalanine, which is neutral and non-polar, at codon 292 of the CD55 protein (p.Val292Phe). This variant is present in population databases (rs750769577, gnomAD 0.006%). This variant has not been reported in the literature in individuals affected with CD55-related conditions. Algorithms developed to predict the effect of missense changes on protein structure and function output the following: SIFT: "Tolerated"; PolyPhen-2: "Benign"; Align-GVGD: "Class C0". The phenylalanine amino acid residue is found in multiple mammalian species, which suggests that this missense change does not adversely affect protein function. In summary, the available evidence is currently insufficient to determine the role of this variant in disease. Therefore, it has been classified as a Variant of Uncertain Significance.